The following is an entry in ClinVar:

NM_015425.6(POLR1A):c.4493T>C (p.Met1498Thr)

Gene: POLR1A (RNA polymerase I subunit A; minus strand). Cytogenetic location: 2p11.2.
Variant type: single nucleotide variant.
Coding change: c.4493T>C on transcript NM_015425.6 (MANE Select); coding-DNA position 4493, T replaced by C.
Protein change: p.Met1498Thr; replaces methionine 1498 with threonine.
Molecular consequence: missense variant.
Genome position (GRCh38, 1-based): chr2:86,031,415, A>G on the plus strand (T>C on the coding strand, the complement: POLR1A is on the minus strand). VCF-style: chr2-86031415-A-G. GRCh37 (hg19) VCF-style: chr2-86258538-A-G.
Other names: c.4493T>C (NM_015425.3); short protein forms M1498T.
Identifiers: ClinVar variation 1445372 (VCV001445372.8), dbSNP rs571947757, ClinGen allele CA1745478.
Genomic context (GRCh38, chr2:86,031,415, plus strand): 5'-TCGTACTGGTAGTCATCTATGAACGGGTGGATCTCACGCACAGCCTGGACCCGGCGCTCC[A>G]TGGCCTCGGGCCCCTGGGGCTCCTGGCTGTGGGTGGGTTTCCGGGGCTGCGTCAGGAGGG-3'
Protein context (NP_056240.2, residues 1488-1508): HSQEPQGPEA[Met1498Thr]ERRVQAVREI

ClinVar aggregate classification (germline): Uncertain significance. Review status: criteria provided, multiple submitters, no conflicts (2 of 4 stars). 2 submissions from 2 submitters: Uncertain significance (2). Last evaluated 2023-12-13.

Conditions:
Inborn genetic diseases. Identifiers: MedGen C0950123, MeSH D030342.

Allele frequency attached by ClinVar (database versions not stated): gnomAD exomes below 0.00001 and 0.00001; ExAC 0.00001; gnomAD 0.00001; 1000 Genomes Project 30x 0.00016; 1000 Genomes Project 0.00020.

Submissions (2):

Ambry Genetics
Classification: Uncertain significance for Inborn genetic diseases. Last evaluated: 2023-12-13. Review status: criteria provided, single submitter. Criteria: Ambry Variant Classification Scheme 2023. Collection method: clinical testing. Allele origin: germline.

Labcorp Genetics (formerly Invitae), Labcorp
Classification: Uncertain significance. Last evaluated: 2022-10-16. Review status: criteria provided, single submitter. Criteria: Invitae Variant Classification Sherloc (09022015). Collection method: clinical testing. Allele origin: germline.
Comment: In summary, the available evidence is currently insufficient to determine the role of this variant in disease. Therefore, it has been classified as a Variant of Uncertain Significance. Advanced modeling of protein sequence and biophysical properties (such as structural, functional, and spatial information, amino acid conservation, physicochemical variation, residue mobility, and thermodynamic stability) performed at Invitae indicates that this missense variant is not expected to disrupt POLR1A protein function. ClinVar contains an entry for this variant (Variation ID: 1445372). This variant has not been reported in the literature in individuals affected with POLR1A-related conditions. This variant is present in population databases (rs571947757, gnomAD 0.02%). This sequence change replaces methionine, which is neutral and non-polar, with threonine, which is neutral and polar, at codon 1498 of the POLR1A protein (p.Met1498Thr).